The following is an entry in ClinVar:

ClinVar aggregate classification (germline): Benign/Likely benign. Review status: criteria provided, multiple submitters, no conflicts (2 of 4 stars). 3 submissions from 3 submitters: Benign (1); Likely benign (2). Last evaluated 2025-08-03.

Conditions:
Hereditary cancer-predisposing syndrome. Also called: Neoplastic Syndromes, Hereditary; Tumor predisposition; Hereditary Cancer Syndrome; Hereditary neoplastic syndrome. Identifiers: Orphanet 140162, MedGen C0027672, MeSH D009386, MONDO:0015356.
Familial cancer of breast. Also called: Hereditary breast cancer; BREAST CANCER, FAMILIAL; hereditary breast carcinoma. Identifiers: Orphanet 227535, MedGen C0346153, MONDO:0016419, OMIM 114480. Disease mechanism: loss of function.

gnomAD v4.1: 1 of 1,613,470 alleles (0.000062%); highest among the groups gnomAD compares: Non-Finnish European, 0.000085%; no homozygotes.

Submissions (3):

Labcorp Genetics (formerly Invitae), Labcorp
Classification: Likely benign for Familial cancer of breast. Last evaluated: 2025-08-03. Review status: criteria provided, single submitter. Criteria: Invitae Variant Classification Sherloc (09022015). Collection method: clinical testing. Allele origin: germline.

Ambry Genetics
Classification: Likely benign for Hereditary cancer-predisposing syndrome. Last evaluated: 2025-07-28. Review status: criteria provided, single submitter. Criteria: Ambry Variant Classification Scheme 2023. Collection method: clinical testing. Allele origin: germline.

Myriad Genetics, Inc.
Classification: Benign for Familial cancer of breast. Last evaluated: 2024-10-04. Review status: criteria provided, single submitter. Criteria: Myriad Autosomal Dominant, Autosomal Recessive and X-Linked Classification Criteria (2023). Collection method: clinical testing. Allele origin: unknown.
Comment: This variant is considered benign. This variant is a silent/synonymous amino acid change and it is not expected to impact splicing.

NM_007194.4(CHEK2):c.1119G>A (p.Lys373=)

Gene: CHEK2 (checkpoint kinase 2; minus strand). Cytogenetic location: 22q12.1.
Variant type: single nucleotide variant.
Coding change: c.1119G>A on transcript NM_007194.4 (MANE Select); coding-DNA position 1119, G replaced by A.
Protein change: p.Lys373=; no amino-acid change (lysine 373 retained).
Molecular consequence: synonymous variant.
Genome position (GRCh38, 1-based): chr22:28,695,850, C>T on the plus strand (G>A on the coding strand, the complement: CHEK2 is on the minus strand). VCF-style: chr22-28695850-C-T. GRCh37 (hg19) VCF-style: chr22-29091838-C-T.
Other names: c.1119G>A (NM_007194.3); c.1248G>A, p.Lys416= (NM_001005735.3); c.456G>A, p.Lys152= (NM_001257387.3); c.918G>A, p.Lys306= (NM_001349956.3); c.1032G>A, p.Lys344= (NM_145862.3).
Identifiers: ClinVar variation 3773111 (VCV003773111.3).